The following is an entry in ClinVar:

ClinVar aggregate classification (germline): Pathogenic/Likely pathogenic. Review status: criteria provided, multiple submitters, no conflicts (2 of 4 stars). 9 submissions from 9 submitters: Pathogenic (5); Likely pathogenic (1). 3 of the submissions do not count toward it. Last evaluated 2026-07-24.

Conditions:
Paroxysmal nonkinesigenic dyskinesia. Also called: Paroxysmal non-kinesigenic dyskinesia. Identifiers: Orphanet 98810, MedGen C1869117, MONDO:0700088.
Paroxysmal nonkinesigenic dyskinesia 1 (PNKD1). Also called: PxMD-PNKD; Familial Paroxysmal Nonkinesigenic Dyskinesia; PAROXYSMAL DYSTONIC CHOREOATHETOSIS; DYSTONIA 8; Nonkinesigenic choreoathetosis; Familial paroxysmal choreoathetosis. Identifiers: Orphanet 98810, MedGen C4551506, MONDO:0700089, OMIM 118800, MONDO:0007326.
Episodic hemiplegia. Identifiers: MedGen C1863061, HP:0012194.
Paroxysmal dyskinesia. Identifiers: Orphanet 1431, MedGen CN212549, MONDO:0015427, HP:0007166.
Paroxysmal dystonia. Identifiers: Orphanet 200037, MedGen C0393588, MONDO:0016058, HP:0002268.

Submissions (9):

GeneDx
Classification: Likely pathogenic. Last evaluated: 2026-07-24. Review status: criteria provided, single submitter. Criteria: GeneDx Variant Classification Process June 2021. Collection method: clinical testing. Allele origin: germline.
Comment: Segregates with disease in many affected individuals from several families in published literature (PMID: 15262732, 15496428, 15824259, 26598494); Not observed at significant frequency in large population cohorts (gnomAD); In silico analysis suggests that this missense variant does not alter protein structure/function; This variant is associated with the following publications: (PMID: 21487022, 8659518, 9490305, 16972263, 28894297, 29356177, 19124534, 33929620, 34177764, 20301400, 15824259, 32443735, 26598494, 23775978, 22989765, 29103325, 35795196, 15262732, 16216955, 25453601, 39211314, 15496428)

Institute of Human Genetics Munich, TUM University Hospital
Classification: Pathogenic for Paroxysmal nonkinesigenic dyskinesia 1. Last evaluated: 2023-08-22. Review status: criteria provided, single submitter. Criteria: Classification criteria August 2017. Collection method: clinical testing. Allele origin: germline. Inheritance: Autosomal dominant inheritance. Affected: yes. Observed: 1 variant allele.

CeGaT Center for Human Genetics Tuebingen
Classification: Pathogenic. Last evaluated: 2022-11-01. Review status: criteria provided, single submitter. Criteria: CeGaT Center For Human Genetics Tuebingen Variant Classification Criteria Version 2. Collection method: clinical testing. Allele origin: germline. Affected: yes. Observed: 2 variant alleles.
Comment: PNKD: PP1:Strong, PM2, PS4:Moderate, PP4, PS3:Supporting

Laboratory of Medical Genetics, National & Kapodistrian University of Athens
Classification: Pathogenic for Paroxysmal nonkinesigenic dyskinesia 1. Last evaluated: 2022-10-13. Review status: criteria provided, single submitter. Criteria: ACMG Guidelines, 2015. Collection method: clinical testing. Allele origin: de novo. Affected: yes.
Comment: PS2, PM2, PP3, PP5

Labcorp Genetics (formerly Invitae), Labcorp
Classification: Pathogenic for Paroxysmal nonkinesigenic dyskinesia. Last evaluated: 2022-08-02. Review status: criteria provided, single submitter. Criteria: Invitae Variant Classification Sherloc (09022015). Collection method: clinical testing. Allele origin: germline.
Comment: This sequence change replaces alanine, which is neutral and non-polar, with valine, which is neutral and non-polar, at codon 9 of the PNKD protein (p.Ala9Val). This variant is not present in population databases (gnomAD no frequency). This missense change has been observed in individuals with paroxysmal non-kinesigenic dyskinesia (PMID: 15496428). It has also been observed to segregate with disease in related individuals. ClinVar contains an entry for this variant (Variation ID: 1892). Algorithms developed to predict the effect of missense changes on protein structure and function are either unavailable or do not agree on the potential impact of this missense change (SIFT: "Deleterious"; PolyPhen-2: "Possibly Damaging"; Align-GVGD: "Class C0"). For these reasons, this variant has been classified as Pathogenic.

Clinical Genetics Service, Universitary Hospital 12 de Octubre
Classification: Pathogenic for Paroxysmal nonkinesigenic dyskinesia 1. Review status: criteria provided, single submitter. Criteria: ACMG Guidelines, 2015. Collection method: clinical testing. Allele origin: germline. Affected: yes.

Centre for Mendelian Genomics, University Medical Centre Ljubljana
Classification: Pathogenic for Episodic hemiplegia; Paroxysmal dyskinesia; Paroxysmal dystonia. Last evaluated: 2016-01-12. Review status: no assertion criteria provided. Collection method: clinical testing. Allele origin: unknown. Affected: yes. Not counted in ClinVar's aggregate classification.

OMIM
Classification: Pathogenic for PAROXYSMAL NONKINESIGENIC DYSKINESIA 1. Last evaluated: 2005-10-01. Review status: no assertion criteria provided. Collection method: literature only. Allele origin: germline. Not counted in ClinVar's aggregate classification.

GeneReviews
No classification provided. Condition: Paroxysmal nonkinesigenic dyskinesia 1. Review status: no classification provided. Collection method: literature only. Allele origin: germline. Not counted in ClinVar's aggregate classification.

Literature cited by the submitters: PubMed 15496428 (cited by 3 submitters); PubMed 8659518 (cited by OMIM); PubMed 15262732 (cited by OMIM and GeneReviews); PubMed 9490305 (cited by OMIM); PubMed 15824259 (cited by OMIM); PubMed 16216955 (cited by OMIM); PubMed 20301400 (cited by GeneReviews).

NM_015488.5(PNKD):c.26C>T (p.Ala9Val)

Genes: PNKD (PNKD metallo-beta-lactamase domain containing; plus strand), LOC129935594 (ATAC-STARR-seq lymphoblastoid active region 17117; plus strand). Cytogenetic location: 2q35.
Variant type: single nucleotide variant.
Coding change: c.26C>T on transcript NM_015488.5 (MANE Select); coding-DNA position 26, C replaced by T.
Protein change: p.Ala9Val; replaces alanine 9 with valine.
Molecular consequence: missense variant.
Genome position (GRCh38, 1-based): chr2:218,270,561, C>T. VCF-style: chr2-218270561-C-T. GRCh37 (hg19) VCF-style: chr2-219135284-C-T.
Other names: c.26C>T, p.Ala9Val (NM_001077399.3); short protein forms A9V.
Identifiers: ClinVar variation 1892 (VCV000001892.57), dbSNP rs121434511, ClinGen allele CA251962.